The following is an entry in ClinVar:

NM_002875.5(RAD51):c.564T>C (p.Asn188=)

Gene: RAD51 (RAD51 recombinase; plus strand). Cytogenetic location: 15q15.1.
Variant type: single nucleotide variant.
Coding change: c.564T>C on transcript NM_002875.5 (MANE Select); coding-DNA position 564, T replaced by C.
Protein change: p.Asn188=; no amino-acid change (asparagine 188 retained).
Molecular consequence: synonymous variant.
Genome position (GRCh38, 1-based): chr15:40,728,744, T>C. VCF-style: chr15-40728744-T-C. GRCh37 (hg19) VCF-style: chr15-41020942-T-C.
Other names: c.567T>C, p.Asn189= (NM_001164269.2, NM_133487.4); c.564T>C, p.Asn188= (NM_001164270.2).
Identifiers: ClinVar variation 1748868 (VCV001748868.26), dbSNP rs777112528, ClinGen allele CA7484057.

ClinVar aggregate classification (germline): Likely benign. Review status: criteria provided, multiple submitters, no conflicts (2 of 4 stars). 3 submissions from 3 submitters: Likely benign (3). Last evaluated 2024-06-22.

Conditions:
Inborn genetic diseases. Identifiers: MedGen C0950123, MeSH D030342.

Allele frequency attached by ClinVar (database versions not stated): ExAC 0.00001; gnomAD 0.00001; gnomAD exomes 0.00001.
gnomAD v4.1: 20 of 1,614,018 alleles (0.0012%); highest among the groups gnomAD compares: Middle Eastern, 0.016%; no homozygotes.

Submissions (3):

Labcorp Genetics (formerly Invitae), Labcorp
Classification: Likely benign. Last evaluated: 2024-06-22. Review status: criteria provided, single submitter. Criteria: Invitae Variant Classification Sherloc (09022015). Collection method: clinical testing. Allele origin: germline.

CeGaT Center for Human Genetics Tuebingen
Classification: Likely benign. Last evaluated: 2024-05-01. Review status: criteria provided, single submitter. Criteria: CeGaT Center For Human Genetics Tuebingen Variant Classification Criteria Version 2. Collection method: clinical testing. Allele origin: germline. Affected: yes. Observed: 1 variant allele.
Comment: RAD51: BP4, BP7

Ambry Genetics
Classification: Likely benign for Inborn genetic diseases. Last evaluated: 2022-04-05. Review status: criteria provided, single submitter. Criteria: Ambry Variant Classification Scheme 2023. Collection method: clinical testing. Allele origin: germline.